The following is an entry in ClinVar:

ClinVar aggregate classification (germline): Benign/Likely benign. Review status: criteria provided, multiple submitters, no conflicts (2 of 4 stars). 6 submissions from 6 submitters: Benign (4); Likely benign (2). Last evaluated 2026-01-20.

Conditions:
Leukodystrophy, hypomyelinating, 7, with or without oligodontia and/or hypogonadotropic hypogonadism (HLD7). Also called: LEUKODYSTROPHY, HYPOMYELINATING, 7, WITH OLIGODONTIA; LEUKODYSTROPHY, HYPOMYELINATING, 7, WITH OLIGODONTIA AND HYPOGONADOTROPIC HYPOGONADISM; LEUKODYSTROPHY, HYPOMYELINATING, 7, WITHOUT OLIGODONTIA OR HYPOGONADOTROPIC HYPOGONADISM; LEUKOENCEPHALOPATHY, HYPOMYELINATING, WITH ATAXIA AND DELAYED DENTITION; ATAXIA, DELAYED DENTITION, AND HYPOMYELINATION; Ataxia, Delayed Dentition and Hypomyelination (ADDH). Identifiers: Orphanet 137639, Orphanet 447893, Orphanet 447896, Orphanet 77295, Orphanet 88637, MedGen CN034185, MONDO:0011897, OMIM 607694.

Allele frequency attached by ClinVar (database versions not stated): gnomAD 0.00421 and 0.00444; TOPMed 0.00441; ESP Exome Variant Server 0.00461; 1000 Genomes Project 0.00559; 1000 Genomes Project 30x 0.00609.
gnomAD v4.1: 1,262 of 1,614,024 alleles (0.078%); highest among the groups gnomAD compares: African/African-American, 1.5%; 5 homozygotes.

Submissions (6):

Labcorp Genetics (formerly Invitae), Labcorp
Classification: Benign. Last evaluated: 2026-01-20. Review status: criteria provided, single submitter. Criteria: Invitae Variant Classification Sherloc (09022015). Collection method: clinical testing. Allele origin: germline.

Blueprint Genetics
Classification: Likely benign. Last evaluated: 2024-10-02. Review status: criteria provided, single submitter. Criteria: ACMG Guidelines, 2015. Collection method: clinical testing. Allele origin: germline.

CeGaT Center for Human Genetics Tuebingen
Classification: Benign. Last evaluated: 2024-06-01. Review status: criteria provided, single submitter. Criteria: CeGaT Center For Human Genetics Tuebingen Variant Classification Criteria Version 2. Collection method: clinical testing. Allele origin: germline. Affected: yes. Observed: 2 variant alleles.
Comment: POLR3A: BP4, BP7, BS1, BS2

GeneDx
Classification: Likely benign. Last evaluated: 2022-01-19. Review status: criteria provided, single submitter. Criteria: GeneDx Variant Classification Process June 2021. Collection method: clinical testing. Allele origin: germline. Affected: yes.
Comment: See Variant Classification Assertion Criteria.

Illumina Laboratory Services, Illumina
Classification: Benign for Leukodystrophy, hypomyelinating, 7, with or without oligodontia and/or hypogonadotropic hypogonadism. Last evaluated: 2018-01-13. Review status: criteria provided, single submitter. Criteria: ICSL Variant Classification Criteria 13 December 2019. Collection method: clinical testing. Allele origin: germline.
Comment: This variant was observed in the ICSL laboratory as part of a predisposition screen in an ostensibly healthy population. It had not been previously curated by ICSL or reported in the Human Gene Mutation Database (HGMD: prior to June 1st, 2018), and was therefore a candidate for classification through an automated scoring system. Utilizing variant allele frequency, disease prevalence and penetrance estimates, and inheritance mode, an automated score was calculated to assess if this variant is too frequent to cause the disease. Based on the score and internal cut-off values, a variant classified as benign is not then subjected to further curation. The score for this variant resulted in a classification of benign for this disease.

Breakthrough Genomics
Classification: Benign. Review status: criteria provided, single submitter. Criteria: ACMG Guidelines, 2015. Collection method: not provided. Allele origin: germline. Inheritance: Autosomal recessive inheritance. Affected: yes.

NM_007055.4(POLR3A):c.3846C>T (p.Ile1282=)

Gene: POLR3A (RNA polymerase III subunit A; minus strand). Cytogenetic location: 10q22.3.
Variant type: single nucleotide variant.
Coding change: c.3846C>T on transcript NM_007055.4 (MANE Select); coding-DNA position 3846, C replaced by T.
Protein change: p.Ile1282=; no amino-acid change (isoleucine 1282 retained).
Molecular consequence: synonymous variant.
Genome position (GRCh38, 1-based): chr10:77,981,473, G>A on the plus strand (C>T on the coding strand, the complement: POLR3A is on the minus strand). VCF-style: chr10-77981473-G-A. GRCh37 (hg19) VCF-style: chr10-79741231-G-A.
Identifiers: ClinVar variation 301037 (VCV000301037.42), dbSNP rs116197727, ClinGen allele CA5570679.